The following is an entry in ClinVar:

ClinVar aggregate classification (germline): Conflicting classifications of pathogenicity. Review status: criteria provided, conflicting classifications (1 of 4 stars). 13 submissions from 13 submitters: Uncertain significance (1); Benign (1); Likely benign (9). 2 of the submissions do not count toward it. Last evaluated 2026-09-01.

Conditions:
CBS-related disorder. Also called: CBS-related condition.
Classic homocystinuria. Also called: Homocystinuria due to CBS deficiency; Cystathionine beta-synthase deficiency; CBS deficiency; Homocystinuria due to Cystathionine Beta-Synthase Deficiency; HOMOCYSTINURIA WITH OR WITHOUT RESPONSE TO PYRIDOXINE. Identifiers: Orphanet 394, MedGen C0751202, MONDO:0009352, OMIM 236200.
Familial thoracic aortic aneurysm and aortic dissection (TAAD). Also called: Thoracic aortic aneurysms and dissections. Identifiers: Orphanet 91387, MedGen C4707243, MONDO:0019625.
HYPERHOMOCYSTEINEMIA, THROMBOTIC, CBS-RELATED. Identifiers: MedGen C3150344, OMIM 236200.

Allele frequency attached by ClinVar (database versions not stated): gnomAD 0.00105; 1000 Genomes Project 0.00120; gnomAD exomes 0.00157; ExAC 0.00173; ESP Exome Variant Server 0.00185.

Submissions (13):

CeGaT Center for Human Genetics Tuebingen
Classification: Uncertain significance. Last evaluated: 2026-09-01. Review status: criteria provided, single submitter. Criteria: CeGaT Center For Human Genetics Tuebingen Variant Classification Criteria Version 2. Collection method: clinical testing. Allele origin: germline. Affected: yes. Observed: 12 variant alleles.
Comment: CBS: PM2

Labcorp Genetics (formerly Invitae), Labcorp
Classification: Benign for HYPERHOMOCYSTEINEMIA, THROMBOTIC, CBS-RELATED. Last evaluated: 2026-02-04. Review status: criteria provided, single submitter. Criteria: Invitae Variant Classification Sherloc (09022015). Collection method: clinical testing. Allele origin: germline.

Molecular Diagnostic Laboratory for Inherited Cardiovascular Disease, Montreal Heart Institute
Classification: Likely benign. Last evaluated: 2025-07-24. Review status: criteria provided, single submitter. Criteria: ACMG Guidelines, 2015. Collection method: clinical testing. Allele origin: germline. Affected: no.
Comment: BS1;BP4

Women's Health and Genetics/Laboratory Corporation of America, LabCorp
Classification: Likely benign. Last evaluated: 2025-03-03. Review status: criteria provided, single submitter. Criteria: LabCorp Variant Classification Summary - May 2015. Collection method: clinical testing. Allele origin: germline.
Comment: Variant summary: CBS c.1643G>A (p.Arg548Gln) results in a conservative amino acid change in the encoded protein sequence. Four of five in-silico tools predict a benign effect of the variant on protein function. The variant allele was found at a frequency of 0.0016 in 249094 control chromosomes, including one homozygote, and predominantly at a frequency of 0.0025 within the Non-Finnish European subpopulation in the gnomAD database. This frequency is approximately equal to the maximum frequency estimated for a pathogenic variant in CBS causing Homocystinuria (0.0025 vs 0.003), suggesting the variant could be a benign polymorphism found primarily in individuals of Non-Finnish European ancestry. c.1643G>A has been reported in the literature in the heterozygous state in an individual affected with Homocystinuria in whom no other CBS variants were identified (Urreizti_2006). This report does not provide unequivocal conclusions about association of the variant with Homocystinuria. A functional study found the variant retained approximately 60% of WT activity, responded to cofactor and allosteric activator similar to the WT enzyme, and was able to form tetramers in vitro (Urreizti_2006). The following publication has been ascertained in the context of this evaluation (PMID: 16429402).ClinVar contains an entry for this variant (Variation ID: 212869).ClinVar contains an entry for this variant (Variation ID: 212869). Based on the evidence outlined above, the variant was classified as likely benign.

Blueprint Genetics
Classification: Likely benign. Last evaluated: 2024-11-28. Review status: criteria provided, single submitter. Criteria: ACMG Guidelines, 2015. Collection method: clinical testing. Allele origin: germline.

ARUP Laboratories, Molecular Genetics and Genomics, ARUP Laboratories
Classification: Likely benign. Last evaluated: 2024-10-21. Review status: criteria provided, single submitter. Criteria: ARUP Molecular Germline Variant Investigation Process 2024. Collection method: clinical testing. Allele origin: germline.

Mayo Clinic Laboratories, Mayo Clinic
Classification: Likely benign. Last evaluated: 2023-04-20. Review status: criteria provided, single submitter. Criteria: ACMG Guidelines, 2015. Collection method: clinical testing. Allele origin: germline. Observed: 2 variant alleles.
Comment: BS1

Fulgent Genetics
Classification: Likely benign for Classic homocystinuria. Last evaluated: 2022-01-21. Review status: criteria provided, single submitter. Criteria: ACMG Guidelines, 2015. Collection method: clinical testing. Allele origin: unknown.

GeneDx
Classification: Likely benign. Last evaluated: 2021-03-30. Review status: criteria provided, single submitter. Criteria: GeneDx Variant Classification Process June 2021. Collection method: clinical testing. Allele origin: germline. Affected: yes.
Comment: This variant is associated with the following publications: (PMID: 16429402)

Ambry Genetics
Classification: Likely benign for Familial thoracic aortic aneurysm and aortic dissection. Last evaluated: 2018-03-20. Review status: criteria provided, single submitter. Criteria: Ambry Variant Classification Scheme 2023. Collection method: clinical testing. Allele origin: germline.

Illumina Laboratory Services, Illumina
Classification: Likely benign for Classic homocystinuria. Last evaluated: 2017-04-27. Review status: criteria provided, single submitter. Criteria: ICSL Variant Classification Criteria 13 December 2019. Collection method: clinical testing. Allele origin: germline.
Comment: This variant was observed as part of a predisposition screen in an ostensibly healthy population. A literature search was performed for the gene, cDNA change, and amino acid change (where applicable). No publications were found based on this search. Allele frequency data from public databases allowed determination this variant is unlikely to cause disease. Therefore, this variant is classified as likely benign.

PreventionGenetics, part of Exact Sciences
Classification: Likely benign for CBS-related condition. Last evaluated: 2022-02-18. Review status: no assertion criteria provided. Collection method: clinical testing. Allele origin: germline. Not counted in ClinVar's aggregate classification.
Comment: This variant is classified as likely benign based on ACMG/AMP sequence variant interpretation guidelines (Richards et al. 2015 PMID: 25741868, with internal and published modifications).

Natera, Inc.
Classification: Likely benign for Homocystinuria due to cystathionine beta-synthase deficiency. Last evaluated: 2021-02-26. Review status: no assertion criteria provided. Collection method: clinical testing. Allele origin: germline. Not counted in ClinVar's aggregate classification.

Literature cited by the submitters: PubMed 16429402 (cited by Women's Health and Genetics/Laboratory Corporation of America, LabCorp and Mayo Clinic Laboratories, Mayo Clinic); PubMed 24729131 (cited by Mayo Clinic Laboratories, Mayo Clinic); PubMed 33190788 (cited by Mayo Clinic Laboratories, Mayo Clinic).

NM_000071.3(CBS):c.1643G>A (p.Arg548Gln)

Gene: CBS (cystathionine beta-synthase; minus strand). Cytogenetic location: 21q22.3.
Variant type: single nucleotide variant.
Coding change: c.1643G>A on transcript NM_000071.3 (MANE Select); coding-DNA position 1643, G replaced by A.
Protein change: p.Arg548Gln; replaces arginine 548 with glutamine.
Molecular consequence: missense variant.
Genome position (GRCh38, 1-based): chr21:43,053,893, C>T on the plus strand (G>A on the coding strand, the complement: CBS is on the minus strand). VCF-style: chr21-43053893-C-T. GRCh37 (hg19) VCF-style: chr21-44474003-C-T.
Other names: p.R548Q:CGG>CAG; c.1643G>A, p.Arg548Gln (NM_001178008.3, NM_001178009.3, NM_001320298.2); c.1328G>A, p.Arg443Gln (NM_001321072.1); short protein forms R548Q, R443Q.
Identifiers: ClinVar variation 212869 (VCV000212869.85), dbSNP rs150828989, ClinGen allele CA324952.